The following is an entry in ClinVar:

ClinVar aggregate classification (germline): Uncertain significance (1 of 4 stars; one submission).

Conditions:
Hereditary cancer-predisposing syndrome. Also called: Tumor predisposition; Hereditary Cancer Syndrome; Neoplastic Syndromes, Hereditary; Hereditary neoplastic syndrome. Identifiers: Orphanet 140162, MedGen C0027672, MeSH D009386, MONDO:0015356.

Submission:

Ambry Genetics
Classification: Uncertain significance for Hereditary cancer-predisposing syndrome. Last evaluated: 2019-08-21. Review status: criteria provided, single submitter. Criteria: Ambry Variant Classification Scheme 2023. Collection method: clinical testing. Allele origin: germline.
Comment: The p.G1090V variant (also known as c.3269G>T), located in coding exon 14 of the MET gene, results from a G to T substitution at nucleotide position 3269. The glycine at codon 1090 is replaced by valine, an amino acid with dissimilar properties. This amino acid position is not well conserved in available vertebrate species. In addition, the in silico prediction for this alteration is inconclusive. Since supporting evidence is limited at this time, the clinical significance of this alteration remains unclear.

NM_000245.4(MET):c.3215G>T (p.Gly1072Val)

Gene: MET (MET proto-oncogene, receptor tyrosine kinase; plus strand). Cytogenetic location: 7q31.2.
Variant type: single nucleotide variant.
Coding change: c.3215G>T on transcript NM_000245.4 (MANE Select); coding-DNA position 3215, G replaced by T.
Protein change: p.Gly1072Val; replaces glycine 1072 with valine.
Molecular consequence: missense variant.
Genome position (GRCh38, 1-based): chr7:116,775,067, G>T. VCF-style: chr7-116775067-G-T. GRCh37 (hg19) VCF-style: chr7-116415121-G-T.
Other names: c.3269G>T, p.Gly1090Val (NM_001127500.3); c.1925G>T, p.Gly642Val (NM_001324402.2); short protein forms G1090V, G642V, G1072V.
Identifiers: ClinVar variation 823354 (VCV000823354.4), dbSNP rs1584957937, ClinGen allele CA368988672.